The following is an entry in ClinVar:

ClinVar aggregate classification (germline): Uncertain significance (1 of 4 stars; one submission).

Submission:

Labcorp Genetics (formerly Invitae), Labcorp
Classification: Uncertain significance. Last evaluated: 2022-09-24. Review status: criteria provided, single submitter. Criteria: Invitae Variant Classification Sherloc (09022015). Collection method: clinical testing. Allele origin: germline.
Comment: This sequence change replaces glutamine, which is neutral and polar, with glutamic acid, which is acidic and polar, at codon 162 of the RORB protein (p.Gln162Glu). This variant is not present in population databases (gnomAD no frequency). This variant has not been reported in the literature in individuals affected with RORB-related conditions. Algorithms developed to predict the effect of missense changes on protein structure and function (SIFT, PolyPhen-2, Align-GVGD) all suggest that this variant is likely to be tolerated. Algorithms developed to predict the effect of sequence changes on RNA splicing suggest that this variant may create or strengthen a splice site. In summary, the available evidence is currently insufficient to determine the role of this variant in disease. Therefore, it has been classified as a Variant of Uncertain Significance.

NM_006914.4(RORB):c.484C>G (p.Gln162Glu)

Gene: RORB (RAR related orphan receptor B; plus strand). Cytogenetic location: 9q21.13.
Variant type: single nucleotide variant.
Coding change: c.484C>G on transcript NM_006914.4 (MANE Select); coding-DNA position 484, C replaced by G.
Protein change: p.Gln162Glu; replaces glutamine 162 with glutamic acid.
Molecular consequence: missense variant.
Genome position (GRCh38, 1-based): chr9:74,642,662, C>G. VCF-style: chr9-74642662-C-G. GRCh37 (hg19) VCF-style: chr9-77257578-C-G.
Other names: c.517C>G, p.Gln173Glu (NM_001365023.1); short protein forms Q162E, Q173E.
Identifiers: ClinVar variation 1720291 (VCV001720291.5), dbSNP rs1823830956, ClinGen allele CA373769958.